The following is an entry in ClinVar:

ClinVar aggregate classification (germline): Uncertain significance. Review status: criteria provided, multiple submitters, no conflicts (2 of 4 stars). 2 submissions from 2 submitters: Uncertain significance (2). Last evaluated 2025-11-03.

Allele frequency attached by ClinVar (database versions not stated): ExAC 0.00001; gnomAD 0.00001; gnomAD exomes 0.00003; TOPMed 0.00008.
gnomAD v4.1: 20 of 1,614,072 alleles (0.0012%); highest among the groups gnomAD compares: Admixed American, 0.033%; no homozygotes.

Submissions (2):

Labcorp Genetics (formerly Invitae), Labcorp
Classification: Uncertain significance. Last evaluated: 2025-11-03. Review status: criteria provided, single submitter. Criteria: Invitae Variant Classification Sherloc (09022015). Collection method: clinical testing. Allele origin: germline.
Comment: This sequence change replaces threonine, which is neutral and polar, with isoleucine, which is neutral and non-polar, at codon 127 of the KANK1 protein (p.Thr127Ile). This variant is present in population databases (rs772924297, gnomAD 0.04%). This variant has not been reported in the literature in individuals affected with KANK1-related conditions. ClinVar contains an entry for this variant (Variation ID: 2073550). An algorithm developed to predict the effect of missense changes on protein structure and function outputs the following: PolyPhen-2: "Benign". The isoleucine amino acid residue is found in multiple mammalian species, which suggests that this missense change does not adversely affect protein function. In summary, the available evidence is currently insufficient to determine the role of this variant in disease. Therefore, it has been classified as a Variant of Uncertain Significance.

Ambry Genetics
Classification: Uncertain significance. Last evaluated: 2021-09-17. Review status: criteria provided, single submitter. Criteria: Ambry Variant Classification Scheme 2023. Collection method: clinical testing. Allele origin: germline.

NM_015158.5(KANK1):c.380C>T (p.Thr127Ile)

Gene: KANK1 (KN motif and ankyrin repeat domains 1; plus strand). Cytogenetic location: 9p24.3.
Variant type: single nucleotide variant.
Coding change: c.380C>T on transcript NM_015158.5 (MANE Select); coding-DNA position 380, C replaced by T.
Protein change: p.Thr127Ile; replaces threonine 127 with isoleucine.
Molecular consequence: missense variant. On other transcripts: 5 prime UTR variant (12), non-coding transcript variant (1).
Genome position (GRCh38, 1-based): chr9:711,146, C>T. VCF-style: chr9-711146-C-T. GRCh37 (hg19) VCF-style: chr9-711146-C-T.
Other names: c.380C>T (NM_015158.2); c.380C>T, p.Thr127Ile (NM_001256876.3, NM_001256877.3, NM_001354331.2 and 2 more transcripts); c.-95C>T (NM_001354333.2, NM_001354335.2, NM_001354336.2 and 9 more transcripts); short protein forms T127I.
Identifiers: ClinVar variation 2073550 (VCV002073550.5), dbSNP rs772924297, ClinGen allele CA4959927.